The following is an entry in ClinVar:

NM_005732.4(RAD50):c.2668C>T (p.Gln890Ter)

Gene: RAD50 (RAD50 double strand break repair protein; plus strand). Cytogenetic location: 5q31.1.
Variant type: single nucleotide variant.
Coding change: c.2668C>T on transcript NM_005732.4 (MANE Select); coding-DNA position 2668, C replaced by T.
Protein change: p.Gln890Ter; replaces glutamine 890 with a stop codon.
Molecular consequence: nonsense.
Genome position (GRCh38, 1-based): chr5:132,604,949, C>T. VCF-style: chr5-132604949-C-T. GRCh37 (hg19) VCF-style: chr5-131940641-C-T.
Other names: short protein forms Q890*.
Identifiers: ClinVar variation 656622 (VCV000656622.7), dbSNP rs1581002180, ClinGen allele CA360956813.

ClinVar aggregate classification (germline): Pathogenic (1 of 4 stars; one submission).

Conditions:
Hereditary cancer-predisposing syndrome. Also called: Hereditary neoplastic syndrome; Tumor predisposition; Neoplastic Syndromes, Hereditary; Hereditary Cancer Syndrome. Identifiers: Orphanet 140162, MedGen C0027672, MeSH D009386, MONDO:0015356.

Submission:

Labcorp Genetics (formerly Invitae), Labcorp
Classification: Pathogenic for Hereditary cancer-predisposing syndrome. Last evaluated: 2022-02-03. Review status: criteria provided, single submitter. Criteria: Invitae Variant Classification Sherloc (09022015). Collection method: clinical testing. Allele origin: germline.
Comment: For these reasons, this variant has been classified as Pathogenic. ClinVar contains an entry for this variant (Variation ID: 656622). This variant has not been reported in the literature in individuals affected with RAD50-related conditions. This variant is not present in population databases (gnomAD no frequency). This sequence change creates a premature translational stop signal (p.Gln890*) in the RAD50 gene. It is expected to result in an absent or disrupted protein product. Loss-of-function variants in RAD50 are known to be pathogenic (PMID: 19409520).

Literature cited by the submitters: PubMed 19409520.